The following is an entry in ClinVar:

ClinVar aggregate classification (germline): Uncertain significance (1 of 4 stars; one submission).

gnomAD v4.1: 9 of 1,613,392 alleles (0.00056%); highest among the groups gnomAD compares: East Asian, 0.02%; no homozygotes.

Submission:

Labcorp Genetics (formerly Invitae), Labcorp
Classification: Uncertain significance. Last evaluated: 2024-12-15. Review status: criteria provided, single submitter. Criteria: Invitae Variant Classification Sherloc (09022015). Collection method: clinical testing. Allele origin: germline.
Comment: This sequence change replaces serine, which is neutral and polar, with arginine, which is basic and polar, at codon 431 of the RAI1 protein (p.Ser431Arg). This variant is present in population databases (rs769956854, gnomAD 0.03%). This variant has not been reported in the literature in individuals affected with RAI1-related conditions. Invitae Evidence Modeling of protein sequence and biophysical properties (such as structural, functional, and spatial information, amino acid conservation, physicochemical variation, residue mobility, and thermodynamic stability) indicates that this missense variant is expected to disrupt RAI1 protein function with a positive predictive value of 80%. In summary, the available evidence is currently insufficient to determine the role of this variant in disease. Therefore, it has been classified as a Variant of Uncertain Significance.

NM_030665.4(RAI1):c.1293C>G (p.Ser431Arg)

Gene: RAI1 (retinoic acid induced 1; plus strand). Cytogenetic location: 17p11.2.
Variant type: single nucleotide variant.
Coding change: c.1293C>G on transcript NM_030665.4 (MANE Select); coding-DNA position 1293, C replaced by G.
Protein change: p.Ser431Arg; replaces serine 431 with arginine.
Molecular consequence: missense variant.
Genome position (GRCh38, 1-based): chr17:17,794,241, C>G. VCF-style: chr17-17794241-C-G. GRCh37 (hg19) VCF-style: chr17-17697555-C-G.
Other names: short protein forms S431R.
Identifiers: ClinVar variation 3707957 (VCV003707957.2).
Genomic context (GRCh38, chr17:17,794,241, plus strand): 5'-TGGCAACTGCAAGCCCCTTCAGAAGGACAAGCTCCCTGAGAACCTGCTGTCGGATCTCAG[C>G]CTGCAGAGCCTCACGGCGCTGACCTCACAGGTGGAGAACATCTCCAACACCGTCCAGCAG-3'
Protein context (NP_109590.3, residues 421-441): KLPENLLSDL[Ser431Arg]LQSLTALTSQ